The following is an entry in ClinVar:

ClinVar aggregate classification (germline): Likely benign. Review status: criteria provided, multiple submitters, no conflicts (2 of 4 stars). 2 submissions from 2 submitters: Likely benign (2). Last evaluated 2026-04-01.

Allele frequency attached by ClinVar (database versions not stated): TOPMed below 0.00001; gnomAD 0.00001; ExAC 0.00002; gnomAD exomes 0.00002 and 0.00003.
gnomAD v4.1: 39 of 1,603,958 alleles (0.0024%); highest among the groups gnomAD compares: Non-Finnish European, 0.0033%; no homozygotes.

Submissions (2):

CeGaT Center for Human Genetics Tuebingen
Classification: Likely benign. Last evaluated: 2026-04-01. Review status: criteria provided, single submitter. Criteria: CeGaT Center For Human Genetics Tuebingen Variant Classification Criteria Version 2. Collection method: clinical testing. Allele origin: germline. Affected: yes. Observed: 1 variant allele.
Comment: VPS13A: BP4, BP7

Labcorp Genetics (formerly Invitae), Labcorp
Classification: Likely benign. Last evaluated: 2025-12-01. Review status: criteria provided, single submitter. Criteria: Invitae Variant Classification Sherloc (09022015). Collection method: clinical testing. Allele origin: germline.

NM_033305.3(VPS13A):c.1548A>G (p.Glu516=)

Gene: VPS13A (vacuolar protein sorting 13 homolog A; plus strand). Cytogenetic location: 9q21.2.
Variant type: single nucleotide variant.
Coding change: c.1548A>G on transcript NM_033305.3 (MANE Select); coding-DNA position 1548, A replaced by G.
Protein change: p.Glu516=; no amino-acid change (glutamic acid 516 retained).
Molecular consequence: synonymous variant.
Genome position (GRCh38, 1-based): chr9:77,228,217, A>G. VCF-style: chr9-77228217-A-G. GRCh37 (hg19) VCF-style: chr9-79843133-A-G.
Other names: c.1548A>G, p.Glu516= (NM_001018037.2, NM_001018038.3, NM_015186.4).
Identifiers: ClinVar variation 1154342 (VCV001154342.11), dbSNP rs753028293, ClinGen allele CA5091714.